The following is an entry in ClinVar:

ClinVar aggregate classification (germline): Uncertain significance (1 of 4 stars; one submission).

Conditions:
Bethlem myopathy 1A. Also called: MYOPATHY, BENIGN CONGENITAL, WITH CONTRACTURES; Bethlem myopathy 1; Bethlem Muscular Dystrophy. Identifiers: Orphanet 610, MedGen CN029274, MONDO:0024530, OMIM 158810.

Submission:

Labcorp Genetics (formerly Invitae), Labcorp
Classification: Uncertain significance for Bethlem myopathy 1A. Last evaluated: 2022-04-18. Review status: criteria provided, single submitter. Criteria: Invitae Variant Classification Sherloc (09022015). Collection method: clinical testing. Allele origin: germline.
Comment: In summary, the available evidence is currently insufficient to determine the role of this variant in disease. Therefore, it has been classified as a Variant of Uncertain Significance. Algorithms developed to predict the effect of missense changes on protein structure and function are either unavailable or do not agree on the potential impact of this missense change (SIFT: "Tolerated"; PolyPhen-2: "Not Available"; Align-GVGD: "Class C15"). This variant has not been reported in the literature in individuals affected with COL6A3-related conditions. This variant is not present in population databases (gnomAD no frequency). This sequence change replaces lysine, which is basic and polar, with asparagine, which is neutral and polar, at codon 2310 of the COL6A3 protein (p.Lys2310Asn).

NM_004369.4(COL6A3):c.6930A>T (p.Lys2310Asn)

Gene: COL6A3 (collagen type VI alpha 3 chain; minus strand). Cytogenetic location: 2q37.3.
Variant type: single nucleotide variant.
Coding change: c.6930A>T on transcript NM_004369.4 (MANE Select); coding-DNA position 6930, A replaced by T.
Protein change: p.Lys2310Asn; replaces lysine 2310 with asparagine.
Molecular consequence: missense variant.
Genome position (GRCh38, 1-based): chr2:237,348,613, T>A on the plus strand (A>T on the coding strand, the complement: COL6A3 is on the minus strand). VCF-style: chr2-237348613-T-A. GRCh37 (hg19) VCF-style: chr2-238257256-T-A.
Other names: c.5109A>T, p.Lys1703Asn (NM_057166.5); c.6312A>T, p.Lys2104Asn (NM_057167.4); short protein forms K2104N, K1703N, K2310N.
Identifiers: ClinVar variation 2114314 (VCV002114314.4), dbSNP rs2469828216, ClinGen allele CA351208251.